The following is an entry in ClinVar:

NM_003896.4(ST3GAL5):c.20G>T (p.Gly7Val)

Genes: ST3GAL5 (ST3 beta-galactoside alpha-2,3-sialyltransferase 5; minus strand), LOC129934236 (ATAC-STARR-seq lymphoblastoid silent region 11709; plus strand). Cytogenetic location: 2p11.2.
Variant type: single nucleotide variant.
Coding change: c.20G>T on transcript NM_003896.4 (MANE Select); coding-DNA position 20, G replaced by T.
Protein change: p.Gly7Val; replaces glycine 7 with valine.
Molecular consequence: missense variant. On other transcripts: 5 prime UTR variant (6).
Genome position (GRCh38, 1-based): chr2:85,888,886, C>A on the plus strand (G>T on the coding strand, the complement: ST3GAL5 is on the minus strand). VCF-style: chr2-85888886-C-A. GRCh37 (hg19) VCF-style: chr2-86116009-C-A.
Other names: c.-943G>T (NM_001354223.2); c.-605G>T (NM_001354224.2); c.-542G>T (NM_001354226.2); c.-252G>T (NM_001354227.2); c.-196G>T (NM_001354229.2); c.-982G>T (NM_001354233.2); c.20G>T, p.Gly7Val (NM_001363847.1); short protein forms G7V.
Identifiers: ClinVar variation 2159354 (VCV002159354.3), dbSNP rs752086854, ClinGen allele CA347536179.

ClinVar aggregate classification (germline): Uncertain significance (1 of 4 stars; one submission).

Conditions:
GM3 synthase deficiency (SPDRS). Also called: SALT AND PEPPER MENTAL RETARDATION SYNDROME; SALT AND PEPPER DEVELOPMENTAL REGRESSION SYNDROME; AMISH INFANTILE EPILEPSY SYNDROME. Identifiers: Orphanet 171714, Orphanet 370933, MedGen C1836824, MONDO:0018274, OMIM 609056.

Submission:

Labcorp Genetics (formerly Invitae), Labcorp
Classification: Uncertain significance for GM3 synthase deficiency. Last evaluated: 2022-07-30. Review status: criteria provided, single submitter. Criteria: Invitae Variant Classification Sherloc (09022015). Collection method: clinical testing. Allele origin: germline.
Comment: In summary, the available evidence is currently insufficient to determine the role of this variant in disease. Therefore, it has been classified as a Variant of Uncertain Significance. Algorithms developed to predict the effect of missense changes on protein structure and function are either unavailable or do not agree on the potential impact of this missense change (SIFT: "Deleterious"; PolyPhen-2: "Benign"; Align-GVGD: "Class C0"). This variant has not been reported in the literature in individuals affected with ST3GAL5-related conditions. This variant is not present in population databases (gnomAD no frequency). This sequence change replaces glycine, which is neutral and non-polar, with valine, which is neutral and non-polar, at codon 7 of the ST3GAL5 protein (p.Gly7Val).